The following is an entry in ClinVar:

NM_001394998.1(TANC2):c.2360C>T (p.Ala787Val)

Gene: TANC2 (tetratricopeptide repeat, ankyrin repeat and coiled-coil containing 2; plus strand). Cytogenetic location: 17q23.3.
Variant type: single nucleotide variant.
Coding change: c.2360C>T on transcript NM_001394998.1 (MANE Select); coding-DNA position 2360, C replaced by T.
Protein change: p.Ala787Val; replaces alanine 787 with valine.
Molecular consequence: missense variant.
Genome position (GRCh38, 1-based): chr17:63,355,168, C>T. VCF-style: chr17-63355168-C-T. GRCh37 (hg19) VCF-style: chr17-61432529-C-T.
Other names: c.2138C>T, p.Ala713Val (NM_001411076.1, NM_025185.4); short protein forms A713V, A787V.
Identifiers: ClinVar variation 2503181 (VCV002503181.2), dbSNP rs2510100391, ClinGen allele CA400524560.

ClinVar aggregate classification (germline): Uncertain significance (1 of 4 stars; one submission).

Submission:

GeneDx
Classification: Uncertain significance. Last evaluated: 2024-05-24. Review status: criteria provided, single submitter. Criteria: GeneDx Variant Classification Process June 2021. Collection method: clinical testing. Allele origin: germline.
Comment: Not observed at significant frequency in large population cohorts (gnomAD); In silico analysis supports that this missense variant has a deleterious effect on protein structure/function; Has not been previously published as pathogenic or benign to our knowledge